The following is an entry in ClinVar:

NM_000038.6(APC):c.7864C>A (p.Pro2622Thr)

Gene: APC (APC regulator of Wnt signaling pathway; plus strand). Cytogenetic location: 5q22.2.
Variant type: single nucleotide variant.
Coding change: c.7864C>A on transcript NM_000038.6 (MANE Select); coding-DNA position 7864, C replaced by A.
Protein change: p.Pro2622Thr; replaces proline 2622 with threonine.
Molecular consequence: missense variant.
Genome position (GRCh38, 1-based): chr5:112,843,458, C>A. VCF-style: chr5-112843458-C-A. GRCh37 (hg19) VCF-style: chr5-112179155-C-A.
Other names: c.7864C>A, p.Pro2622Thr (NM_001127510.3, NM_001354895.2); c.7810C>A, p.Pro2604Thr (NM_001127511.3); c.7918C>A, p.Pro2640Thr (NM_001354896.2); c.7894C>A, p.Pro2632Thr (NM_001354897.2); c.7789C>A, p.Pro2597Thr (NM_001354898.2); c.7780C>A, p.Pro2594Thr (NM_001354899.2); c.7741C>A, p.Pro2581Thr (NM_001354900.2); c.7687C>A, p.Pro2563Thr (NM_001354901.2); and 5 more; short protein forms P2604T, P2622T, P2594T, P2521T, P2563T, P2597T, P2640T, P2339T.
Identifiers: ClinVar variation 489498 (VCV000489498.22), dbSNP rs1060503330, ClinGen allele CA16038419.

ClinVar aggregate classification (germline): Uncertain significance. Review status: criteria provided, multiple submitters, no conflicts (2 of 4 stars). 5 submissions from 5 submitters: Uncertain significance (5). Last evaluated 2025-09-30.

Conditions:
Familial adenomatous polyposis 1 (FAP1). Also called: POLYPOSIS, ADENOMATOUS INTESTINAL; FAMILIAL ADENOMATOUS POLYPOSIS 1, ATTENUATED. Identifiers: MedGen C2713442, MONDO:0021056, OMIM 175100. Disease mechanism: loss of function.
Hereditary cancer-predisposing syndrome. Also called: Hereditary Cancer Syndrome; Neoplastic Syndromes, Hereditary; Tumor predisposition; Hereditary neoplastic syndrome. Identifiers: Orphanet 140162, MedGen C0027672, MeSH D009386, MONDO:0015356.
Classic or attenuated familial adenomatous polyposis. Identifiers: MedGen CN372698, MONDO:0021057.

Allele frequency attached by ClinVar (database versions not stated): gnomAD exomes below 0.00001.
gnomAD v4.1: 2 of 1,613,810 alleles (0.00012%); highest among the groups gnomAD compares: Admixed American, 0.0033%; no homozygotes.

Submissions (5):

Labcorp Genetics (formerly Invitae), Labcorp
Classification: Uncertain significance for Familial adenomatous polyposis 1. Last evaluated: 2025-09-30. Review status: criteria provided, single submitter. Criteria: Invitae Variant Classification Sherloc (09022015). Collection method: clinical testing. Allele origin: germline.
Comment: This sequence change replaces proline, which is neutral and non-polar, with threonine, which is neutral and polar, at codon 2622 of the APC protein (p.Pro2622Thr). This variant is not present in population databases (gnomAD no frequency). This variant has not been reported in the literature in individuals affected with APC-related conditions. ClinVar contains an entry for this variant (Variation ID: 489498). Invitae Evidence Modeling of protein sequence and biophysical properties (such as structural, functional, and spatial information, amino acid conservation, physicochemical variation, residue mobility, and thermodynamic stability) indicates that this missense variant is not expected to disrupt APC protein function with a negative predictive value of 95%. In summary, the available evidence is currently insufficient to determine the role of this variant in disease. Therefore, it has been classified as a Variant of Uncertain Significance.

All of Us Research Program, National Institutes of Health
Classification: Uncertain significance for Classic or attenuated familial adenomatous polyposis. Last evaluated: 2024-07-10. Review status: criteria provided, single submitter. Criteria: ACMG Guidelines, 2015. Collection method: clinical testing. Allele origin: germline. Inheritance: Autosomal dominant inheritance. Observed: 4 variant alleles, 4 heterozygotes.
Comment: This missense variant replaces proline with threonine at codon 2622 of the APC protein. Computational prediction suggests that this variant may not impact protein structure and function (internally defined REVEL score threshold <= 0.5, PMID: 27666373). To our knowledge, functional studies have not been reported for this variant. This variant has not been reported in individuals affected with APC-related disorders in the literature. This variant has not been identified in the general population by the Genome Aggregation Database (gnomAD). The available evidence is insufficient to determine the role of this variant in disease conclusively. Therefore, this variant is classified as a Variant of Uncertain Significance.

This study involves interpretation of variants in research participants for the purpose of population health screening. Participant phenotype was not available at the time of variant classification. Additional details can be found in publication PMID: 35346344, PMCID: PMC8962531

Color Diagnostics, LLC DBA Color Health
Classification: Uncertain significance for Hereditary cancer-predisposing syndrome. Last evaluated: 2024-03-07. Review status: criteria provided, single submitter. Criteria: ACMG Guidelines, 2015. Collection method: clinical testing. Allele origin: germline.
Comment: This missense variant replaces proline with threonine at codon 2622 of the APC protein. Computational prediction suggests that this variant may not impact protein structure and function (internally defined REVEL score threshold <= 0.5, PMID: 27666373). To our knowledge, functional studies have not been reported for this variant. This variant has not been reported in individuals affected with APC-related disorders in the literature. This variant has not been identified in the general population by the Genome Aggregation Database (gnomAD). The available evidence is insufficient to determine the role of this variant in disease conclusively. Therefore, this variant is classified as a Variant of Uncertain Significance.

Quest Diagnostics Nichols Institute San Juan Capistrano
Classification: Uncertain significance. Last evaluated: 2023-12-27. Review status: criteria provided, single submitter. Criteria: Quest Diagnostics criteria. Collection method: clinical testing. Allele origin: unknown.
Comment: The APC c.7864C>A (p.Pro2622Thr) variant has not been reported in individuals with APC-related conditions in the published literature. It also has not been reported in large, multi-ethnic general populations (Genome Aggregation Database). Analysis of this variant using a bioinformatics tool for the prediction of the effect of amino acid changes on protein structure and function yielded a prediction that this variant is benign. Based on the available information, we are unable to determine the clinical significance of this variant.

Ambry Genetics
Classification: Uncertain significance for Hereditary cancer-predisposing syndrome. Last evaluated: 2023-11-07. Review status: criteria provided, single submitter. Criteria: Ambry Variant Classification Scheme 2023. Collection method: clinical testing. Allele origin: germline.
Comment: The p.P2622T variant (also known as c.7864C>A), located in coding exon 15 of the APC gene, results from a C to A substitution at nucleotide position 7864. The proline at codon 2622 is replaced by threonine, an amino acid with highly similar properties. This amino acid position is not well conserved in available vertebrate species. In addition, in silico predictors for this gene do not accurately predict pathogenicity. Since supporting evidence is limited at this time, the clinical significance of this alteration remains unclear.